The following is an entry in ClinVar:

ClinVar aggregate classification (germline): Uncertain significance (1 of 4 stars; one submission).

Conditions:
Encephalopathy, acute, infection-induced (herpes-specific), susceptibility to, 1. Also called: Herpes simplex encephalitis, susceptibility to, 1. Identifiers: Orphanet 1930, MedGen C2750180, MONDO:0024563, OMIM 610551.

Submission:

Labcorp Genetics (formerly Invitae), Labcorp
Classification: Uncertain significance for Encephalopathy, acute, infection-induced (herpes-specific), susceptibility to, 1. Last evaluated: 2023-01-31. Review status: criteria provided, single submitter. Criteria: Invitae Variant Classification Sherloc (09022015). Collection method: clinical testing. Allele origin: unknown.
Comment: In summary, the available evidence is currently insufficient to determine the role of this variant in disease. Therefore, it has been classified as a Variant of Uncertain Significance. Experimental studies and prediction algorithms are not available or were not evaluated, and the functional significance of this variant is currently unknown. This variant has not been reported in the literature in individuals affected with TLR3-related conditions. This variant results in a copy number gain of the genomic region encompassing exon(s) 2-3 of the TLR3 gene. This region includes the initiator codon of the gene. This copy number gain extends beyond the assayed region for this gene and therefore may encompass additional genes. As the precise location of this event is unknown, it may be in tandem or it may be located elsewhere in the genome.

NC_000004.11:g.(?_186997774)_(187000205_?)dup

Gene: TLR3 (toll like receptor 3; plus strand). Cytogenetic location: 4q35.1.
Variant type: Duplication.
Identifiers: ClinVar variation 3246669 (VCV003246669.1).